The following is an entry in ClinVar:

NM_001256447.2(BCAP31):c.62T>C (p.Leu21Pro)

Gene: BCAP31 (B cell receptor associated protein 31; minus strand). Cytogenetic location: Xq28.
Variant type: single nucleotide variant.
Coding change: c.62T>C on transcript NM_001256447.2 (MANE Select); coding-DNA position 62, T replaced by C.
Protein change: p.Leu21Pro; replaces leucine 21 with proline.
Molecular consequence: missense variant.
Genome position (GRCh38, 1-based): chrX:153,723,183, A>G on the plus strand (T>C on the coding strand, the complement: BCAP31 is on the minus strand). VCF-style: chrX-153723183-A-G. GRCh37 (hg19) VCF-style: chrX-152988638-A-G.
Other names: c.62T>C, p.Leu21Pro (NM_001139441.1, NM_005745.8); c.263T>C, p.Leu88Pro (NM_001139457.2); short protein forms L21P, L88P.
Identifiers: ClinVar variation 1304071 (VCV001304071.2), dbSNP rs2148385953, ClinGen allele CA415096052.
Genomic context (GRCh38, chrX:153,723,183, plus strand): 5'-TAACTCGCCTGCTTGCTCCATAGGCCATACCTTTTAGGAGAAATGAAGGGAATGCAGAGA[A>G]GCAACACAACAAAGACCTCCGCATAGAGGAAGGTGGCAACTGCAGTCCACTGCAGACTCA-3'
Protein context (NP_001243376.1, residues 11-31): FLYAEVFVVL[Leu21Pro]LCIPFISPKR

ClinVar aggregate classification (germline): Uncertain significance (1 of 4 stars; one submission).

Submission:

GeneDx
Classification: Uncertain significance. Last evaluated: 2020-10-09. Review status: criteria provided, single submitter. Criteria: GeneDx Variant Classification Process June 2021. Collection method: clinical testing. Allele origin: germline. Affected: yes.
Comment: Not observed in large population cohorts (Lek et al., 2016); In silico analysis supports that this missense variant has a deleterious effect on protein structure/function; Has not been previously published as pathogenic or benign to our knowledge